The following is an entry in ClinVar:

NM_005751.5(AKAP9):c.1262G>A (p.Arg421Gln)

Gene: AKAP9 (A-kinase anchoring protein 9; plus strand). Cytogenetic location: 7q21.2.
Variant type: single nucleotide variant.
Coding change: c.1262G>A on transcript NM_005751.5 (MANE Select); coding-DNA position 1262, G replaced by A.
Protein change: p.Arg421Gln; replaces arginine 421 with glutamine.
Molecular consequence: missense variant.
Genome position (GRCh38, 1-based): chr7:92,001,179, G>A. VCF-style: chr7-92001179-G-A. GRCh37 (hg19) VCF-style: chr7-91630493-G-A.
Other names: c.1262G>A, p.Arg421Gln (NM_147185.3); short protein forms R421Q.
Identifiers: ClinVar variation 220956 (VCV000220956.8), dbSNP rs864622705, ClinGen allele CA348163.

ClinVar aggregate classification (germline): Uncertain significance. Review status: criteria provided, multiple submitters, no conflicts (2 of 4 stars). 2 submissions from 2 submitters: Uncertain significance (2). Last evaluated 2021-11-11.

Conditions:
Long QT syndrome (LQTS). Identifiers: MedGen C0023976, MeSH D008133, MONDO:0002442. Disease mechanism: loss of function. Inheritance: Various modes of inheritance.
Long QT syndrome 11 (LQT11). Identifiers: Orphanet 101016, Orphanet 768, MedGen C2678483, MONDO:0012738, OMIM 611820.

Allele frequency attached by ClinVar (database versions not stated): TOPMed 0.00001.
gnomAD v4.1: 12 of 1,613,936 alleles (0.00074%); highest among the groups gnomAD compares: South Asian, 0.0033%; no homozygotes.

Submissions (2):

Fulgent Genetics
Classification: Uncertain significance for Long QT syndrome 11. Last evaluated: 2021-11-11. Review status: criteria provided, single submitter. Criteria: ACMG Guidelines, 2015. Collection method: clinical testing. Allele origin: unknown.

Labcorp Genetics (formerly Invitae), Labcorp
Classification: Uncertain significance for Long QT syndrome. Last evaluated: 2016-09-20. Review status: criteria provided, single submitter. Criteria: Invitae Variant Classification Sherloc (09022015). Collection method: clinical testing. Allele origin: germline.
Comment: In summary, this is a novel missense change with uncertain impact on protein function. It has been classified as a Variant of Uncertain Significance. This sequence change replaces arginine with glutamine at codon 421 of the AKAP9 protein (p.Arg421Gln). The arginine residue is highly conserved and there is a small physicochemical difference between arginine and glutamine. This variant is not present in population databases (ExAC no frequency) and has not been reported in the literature. Algorithms developed to predict the effect of missense changes on protein structure and function (SIFT, Align-GVGD) suggest that this variant is likely to be disruptive, but these predictions have not been confirmed by published functional studies.